The following is an entry in ClinVar:

NM_000245.4(MET):c.1934G>A (p.Gly645Glu)

Gene: MET (MET proto-oncogene, receptor tyrosine kinase; plus strand). Cytogenetic location: 7q31.2.
Variant type: single nucleotide variant.
Coding change: c.1934G>A on transcript NM_000245.4 (MANE Select); coding-DNA position 1934, G replaced by A.
Protein change: p.Gly645Glu; replaces glycine 645 with glutamic acid.
Molecular consequence: missense variant.
Genome position (GRCh38, 1-based): chr7:116,757,508, G>A. VCF-style: chr7-116757508-G-A. GRCh37 (hg19) VCF-style: chr7-116397562-G-A.
Other names: c.1934G>A, p.Gly645Glu (NM_001127500.3, NM_001324401.3); c.644G>A, p.Gly215Glu (NM_001324402.2); short protein forms G215E, G645E.
Identifiers: ClinVar variation 1782936 (VCV001782936.8), dbSNP rs2116920835, ClinGen allele CA368979440.
Genomic context (GRCh38, chr7:116,757,508, plus strand): 5'-CAGTTGGTCCTGCCATGAATAAGCATTTCAATATGTCCATAATTATTTCAAATGGCCACG[G>A]GACAACACAATACAGTACATTCTCCTATGTGGTAAGGAAGATTCTATCCTATCATGTTTG-3'
Protein context (NP_000236.2, residues 635-655): NMSIIISNGH[Gly645Glu]TTQYSTFSYV

ClinVar aggregate classification (germline): Conflicting classifications of pathogenicity. Review status: criteria provided, conflicting classifications (1 of 4 stars). 2 submissions from 2 submitters: Uncertain significance (1); Likely benign (1). Last evaluated 2024-05-01.

Conditions:
Hereditary cancer-predisposing syndrome. Also called: Neoplastic Syndromes, Hereditary; Tumor predisposition; Hereditary Cancer Syndrome; Hereditary neoplastic syndrome. Identifiers: Orphanet 140162, MedGen C0027672, MeSH D009386, MONDO:0015356.
Renal cell carcinoma. Identifiers: Orphanet 217071, MedGen C0007134, MeSH D002292, MONDO:0005086, HP:0005584.

Allele frequency attached by ClinVar (database versions not stated): gnomAD exomes below 0.00001.
gnomAD v4.1: 1 of 1,613,644 alleles (0.000062%); highest among the groups gnomAD compares: Non-Finnish European, 0.000085%; no homozygotes.

Submissions (2):

Ambry Genetics
Classification: Likely benign for Hereditary cancer-predisposing syndrome. Last evaluated: 2024-05-01. Review status: criteria provided, single submitter. Criteria: Ambry Variant Classification Scheme 2023. Collection method: clinical testing. Allele origin: germline.

Labcorp Genetics (formerly Invitae), Labcorp
Classification: Uncertain significance for Renal cell carcinoma. Last evaluated: 2022-05-28. Review status: criteria provided, single submitter. Criteria: Invitae Variant Classification Sherloc (09022015). Collection method: clinical testing. Allele origin: germline.
Comment: In summary, the available evidence is currently insufficient to determine the role of this variant in disease. Therefore, it has been classified as a Variant of Uncertain Significance. Algorithms developed to predict the effect of missense changes on protein structure and function output the following: SIFT: "Tolerated"; PolyPhen-2: "Benign"; Align-GVGD: "Class C0". The glutamic acid amino acid residue is found in multiple mammalian species, which suggests that this missense change does not adversely affect protein function. This variant has not been reported in the literature in individuals affected with MET-related conditions. This variant is not present in population databases (gnomAD no frequency). This sequence change replaces glycine, which is neutral and non-polar, with glutamic acid, which is acidic and polar, at codon 645 of the MET protein (p.Gly645Glu).